The following is an entry in ClinVar:

ClinVar aggregate classification (germline): Benign/Likely benign. Review status: criteria provided, multiple submitters, no conflicts (2 of 4 stars). 5 submissions from 5 submitters: Benign (3); Likely benign (2). Last evaluated 2026-02-01.

Conditions:
Deficiency of malonyl-CoA decarboxylase. Also called: Malonic aciduria; MCD deficiency. Identifiers: Orphanet 943, MedGen C0342793, MONDO:0009556, OMIM 248360.

Allele frequency attached by ClinVar (database versions not stated): gnomAD exomes 0.00135 and 0.00241; ExAC 0.00277; ESP Exome Variant Server 0.00621; gnomAD 0.00813 and 0.00870; TOPMed 0.00913; 1000 Genomes Project 30x 0.01015; 1000 Genomes Project 0.01018.
gnomAD v4.1: 3,307 of 1,612,274 alleles (0.21%); highest among the groups gnomAD compares: African/African-American, 2.8%; 39 homozygotes.

Submissions (5):

Labcorp Genetics (formerly Invitae), Labcorp
Classification: Benign for Deficiency of malonyl-CoA decarboxylase. Last evaluated: 2026-02-01. Review status: criteria provided, single submitter. Criteria: Invitae Variant Classification Sherloc (09022015). Collection method: clinical testing. Allele origin: germline.

ARUP Laboratories, Molecular Genetics and Genomics, ARUP Laboratories
Classification: Benign for Deficiency of malonyl-CoA decarboxylase. Last evaluated: 2023-10-16. Review status: criteria provided, single submitter. Criteria: ARUP Molecular Germline Variant Investigation Process 2024. Collection method: clinical testing. Allele origin: germline.

Illumina Laboratory Services, Illumina
Classification: Likely benign for Deficiency of malonyl-CoA decarboxylase. Last evaluated: 2017-04-27. Review status: criteria provided, single submitter. Criteria: ICSL Variant Classification Criteria 13 December 2019. Collection method: clinical testing. Allele origin: germline.
Comment: This variant was observed as part of a predisposition screen in an ostensibly healthy population. A literature search was performed for the gene, cDNA change, and amino acid change (where applicable). No publications were found based on this search. Allele frequency data from public databases allowed determination this variant is unlikely to cause disease. Therefore, this variant is classified as likely benign.

GeneDx
Classification: Benign. Last evaluated: 2016-04-06. Review status: criteria provided, single submitter. Criteria: GeneDx Variant Classification (06012015). Collection method: clinical testing. Allele origin: germline. Affected: yes.
Comment: This variant is considered likely benign or benign based on one or more of the following criteria: it is a conservative change, it occurs at a poorly conserved position in the protein, it is predicted to be benign by multiple in silico algorithms, and/or has population frequency not consistent with disease.

Breakthrough Genomics
Classification: Likely benign. Review status: criteria provided, single submitter. Criteria: ACMG Guidelines, 2015. Collection method: not provided. Allele origin: germline. Inheritance: Autosomal recessive inheritance. Affected: yes.

NM_012213.3(MLYCD):c.1464A>G (p.Gln488=)

Gene: MLYCD (malonyl-CoA decarboxylase; plus strand). Cytogenetic location: 16q23.3.
Variant type: single nucleotide variant.
Coding change: c.1464A>G on transcript NM_012213.3 (MANE Select); coding-DNA position 1464, A replaced by G.
Protein change: p.Gln488=; no amino-acid change (glutamine 488 retained).
Molecular consequence: synonymous variant.
Genome position (GRCh38, 1-based): chr16:83,915,471, A>G. VCF-style: chr16-83915471-A-G. GRCh37 (hg19) VCF-style: chr16-83949076-A-G.
Identifiers: ClinVar variation 320740 (VCV000320740.16), dbSNP rs1127368, ClinGen allele CA8197644.